The following is an entry in ClinVar:

NM_001042492.3(NF1):c.*873A>T

Gene: NF1 (neurofibromin 1; plus strand). Cytogenetic location: 17q11.2.
Variant type: single nucleotide variant.
Coding change: c.*873A>T on transcript NM_001042492.3 (MANE Select); 873 bases downstream of the stop codon, A replaced by T.
Molecular consequence: 3 prime UTR variant.
Genome position (GRCh38, 1-based): chr17:31,375,028, A>T. VCF-style: chr17-31375028-A-T. GRCh37 (hg19) VCF-style: chr17-29702046-A-T.
Other names: c.*873A>T (NM_000267.4).
Identifiers: ClinVar variation 322586 (VCV000322586.5), dbSNP rs3058624, ClinGen allele CA10645299.

ClinVar aggregate classification (germline): Benign. Review status: criteria provided, single submitter (1 of 4 stars). 4 submissions from 1 submitter: Benign (4). Last evaluated 2018-01-13.

Conditions:
Neurofibromatosis, familial spinal (FSNF). Identifiers: Orphanet 636, MedGen C1834235, MONDO:0008078, OMIM 162210. Disease mechanism: loss of function.
Neurofibromatosis-Noonan syndrome (NFNS). Also called: NEUROFIBROMATOSIS WITH NOONAN PHENOTYPE. Identifiers: Orphanet 638, MedGen C2931482, MONDO:0011035, OMIM 601321. Disease mechanism: loss of function.
Café-au-lait macules with pulmonary stenosis (WTSN). Also called: PULMONIC STENOSIS WITH CAFE-AU-LAIT SPOTS. Identifiers: MedGen C0553586, MONDO:0008672, OMIM 193520.
Neurofibromatosis, type 1 (NF1). Also called: VON RECKLINGHAUSEN DISEASE; NEUROFIBROMATOSIS, TYPE I, SOMATIC; Neurofibromatosis, type I; Peripheral type neurofibromatosis. Identifiers: Orphanet 636, MedGen C0027831, MONDO:0018975, OMIM 162200. Disease mechanism: loss of function.

Allele frequency attached by ClinVar (database versions not stated): gnomAD 0.01881 and 0.01966; 1000 Genomes Project 0.01957.
gnomAD v4.1: 2,764 of 171,464 alleles (1.6%); highest among the groups gnomAD compares: African/African-American, 6%; 38 homozygotes.

Submissions (4):

Illumina Laboratory Services, Illumina
Classification: Benign for Neurofibromatosis-Noonan syndrome. Last evaluated: 2018-01-13. Review status: criteria provided, single submitter. Criteria: ICSL Variant Classification Criteria 13 December 2019. Collection method: clinical testing. Allele origin: germline.
Comment: This variant was observed in the ICSL laboratory as part of a predisposition screen in an ostensibly healthy population. It had not been previously curated by ICSL or reported in the Human Gene Mutation Database (HGMD: prior to June 1st, 2018), and was therefore a candidate for classification through an automated scoring system. Utilizing variant allele frequency, disease prevalence and penetrance estimates, and inheritance mode, an automated score was calculated to assess if this variant is too frequent to cause the disease. Based on the score and internal cut-off values, a variant classified as benign is not then subjected to further curation. The score for this variant resulted in a classification of benign for this disease.

Illumina Laboratory Services, Illumina
Classification: Benign for Café-au-lait macules with pulmonary stenosis. Last evaluated: 2018-01-13. Review status: criteria provided, single submitter. Criteria: ICSL Variant Classification Criteria 13 December 2019. Collection method: clinical testing. Allele origin: germline.
Comment: the same text as in the submission from Illumina Laboratory Services, Illumina above.

Illumina Laboratory Services, Illumina
Classification: Benign for Neurofibromatosis, type 1. Last evaluated: 2018-01-13. Review status: criteria provided, single submitter. Criteria: ICSL Variant Classification Criteria 13 December 2019. Collection method: clinical testing. Allele origin: germline.
Comment: the same text as in the submission from Illumina Laboratory Services, Illumina above.

Illumina Laboratory Services, Illumina
Classification: Benign for Neurofibromatosis, familial spinal. Last evaluated: 2018-01-13. Review status: criteria provided, single submitter. Criteria: ICSL Variant Classification Criteria 13 December 2019. Collection method: clinical testing. Allele origin: germline.
Comment: the same text as in the submission from Illumina Laboratory Services, Illumina above.